The following is an entry in ClinVar:

ClinVar aggregate classification (germline): Uncertain significance (1 of 4 stars; one submission).

Submission:

Labcorp Genetics (formerly Invitae), Labcorp
Classification: Uncertain significance. Last evaluated: 2023-07-21. Review status: criteria provided, single submitter. Criteria: Invitae Variant Classification Sherloc (09022015). Collection method: clinical testing. Allele origin: germline.
Comment: This sequence change replaces glycine, which is neutral and non-polar, with cysteine, which is neutral and slightly polar, at codon 1471 of the COL11A1 protein (p.Gly1471Cys). This variant is not present in population databases (gnomAD no frequency). This variant has not been reported in the literature in individuals affected with COL11A1-related conditions. ClinVar contains an entry for this variant (Variation ID: 1373066). Advanced modeling of protein sequence and biophysical properties (such as structural, functional, and spatial information, amino acid conservation, physicochemical variation, residue mobility, and thermodynamic stability) has been performed at Invitae for this missense variant, however the output from this modeling did not meet the statistical confidence thresholds required to predict the impact of this variant on COL11A1 protein function. In summary, the available evidence is currently insufficient to determine the role of this variant in disease. Therefore, it has been classified as a Variant of Uncertain Significance.

NM_001854.4(COL11A1):c.4411G>T (p.Gly1471Cys)

Gene: COL11A1 (collagen type XI alpha 1 chain; minus strand). Cytogenetic location: 1p21.1.
Variant type: single nucleotide variant.
Coding change: c.4411G>T on transcript NM_001854.4 (MANE Select); coding-DNA position 4411, G replaced by T.
Protein change: p.Gly1471Cys; replaces glycine 1471 with cysteine.
Molecular consequence: missense variant. On other transcripts: non-coding transcript variant (1).
Genome position (GRCh38, 1-based): chr1:102,889,508, C>A on the plus strand (G>T on the coding strand, the complement: COL11A1 is on the minus strand). VCF-style: chr1-102889508-C-A. GRCh37 (hg19) VCF-style: chr1-103355064-C-A.
Other names: c.4294G>T, p.Gly1432Cys (NM_001190709.2); c.4447G>T, p.Gly1483Cys (NM_080629.3); c.4063G>T, p.Gly1355Cys (NM_080630.4); short protein forms G1432C, G1483C, G1355C, G1471C.
Identifiers: ClinVar variation 1373066 (VCV001373066.6), dbSNP rs1057522949, ClinGen allele CA341212682.